The following is an entry in ClinVar:

ClinVar aggregate classification (germline): Uncertain significance (1 of 4 stars; one submission).

Conditions:
Hyperprolinemia type 2 (HYRPRO2). Also called: Delta-1-pyrroline-5-carboxylate dehydrogenase deficiency; 1-PYRROLINE-5-CARBOXYLATE DEHYDROGENASE DEFICIENCY; Deficiency of pyrroline-5-carboxylate reductase. Identifiers: Orphanet 79101, MedGen C2931835, MONDO:0009401, OMIM 239510.

Submission:

Labcorp Genetics (formerly Invitae), Labcorp
Classification: Uncertain significance for Hyperprolinemia type 2. Last evaluated: 2022-06-27. Review status: criteria provided, single submitter. Criteria: Invitae Variant Classification Sherloc (09022015). Collection method: clinical testing. Allele origin: germline.
Comment: This sequence change replaces lysine, which is basic and polar, with threonine, which is neutral and polar, at codon 114 of the ALDH4A1 protein (p.Lys114Thr). This variant is not present in population databases (gnomAD no frequency). This variant has not been reported in the literature in individuals affected with ALDH4A1-related conditions. Algorithms developed to predict the effect of missense changes on protein structure and function (SIFT, PolyPhen-2, Align-GVGD) all suggest that this variant is likely to be tolerated. In summary, the available evidence is currently insufficient to determine the role of this variant in disease. Therefore, it has been classified as a Variant of Uncertain Significance.

NM_003748.4(ALDH4A1):c.341A>C (p.Lys114Thr)

Gene: ALDH4A1 (aldehyde dehydrogenase 4 family member A1; minus strand). Cytogenetic location: 1p36.13.
Variant type: single nucleotide variant.
Coding change: c.341A>C on transcript NM_003748.4 (MANE Select); coding-DNA position 341, A replaced by C.
Protein change: p.Lys114Thr; replaces lysine 114 with threonine.
Molecular consequence: missense variant.
Genome position (GRCh38, 1-based): chr1:18,885,585, T>G on the plus strand (A>C on the coding strand, the complement: ALDH4A1 is on the minus strand). VCF-style: chr1-18885585-T-G. GRCh37 (hg19) VCF-style: chr1-19212079-T-G.
Other names: c.161A>C, p.Lys54Thr (NM_001161504.2); c.341A>C, p.Lys114Thr (NM_001319218.2, NM_170726.3); short protein forms K54T, K114T.
Identifiers: ClinVar variation 1486823 (VCV001486823.8), dbSNP rs1389602525, ClinGen allele CA338760957.